The following is an entry in ClinVar:

ClinVar aggregate classification (germline): Uncertain significance (1 of 4 stars; one submission).

Conditions:
Hyperphosphatasia with impaired intellectual development syndrome 2. Also called: Hyperphosphatasia with intellectual disability syndrome 2; GLYCOSYLPHOSPHATIDYLINOSITOL BIOSYNTHESIS DEFECT 6. Identifiers: Orphanet 247262, MedGen C3553637, MONDO:0013882, OMIM 614749.

Allele frequency attached by ClinVar (database versions not stated): gnomAD 0.00002; gnomAD exomes 0.00001 and below 0.00001; TOPMed 0.00001; ExAC 0.00001.

Submission:

Labcorp Genetics (formerly Invitae), Labcorp
Classification: Uncertain significance for Hyperphosphatasia with impaired intellectual development syndrome 2. Last evaluated: 2021-11-05. Review status: criteria provided, single submitter. Criteria: Invitae Variant Classification Sherloc (09022015). Collection method: clinical testing. Allele origin: germline.
Comment: This sequence change replaces threonine, which is neutral and polar, with alanine, which is neutral and non-polar, at codon 611 of the PIGO protein (p.Thr611Ala). This variant is present in population databases (rs774281466, gnomAD 0.006%). This variant has not been reported in the literature in individuals affected with PIGO-related conditions. ClinVar contains an entry for this variant (Variation ID: 657622). Algorithms developed to predict the effect of missense changes on protein structure and function output the following: SIFT: "Tolerated"; PolyPhen-2: "Benign"; Align-GVGD: "Class C0". The alanine amino acid residue is found in multiple mammalian species, which suggests that this missense change does not adversely affect protein function. In summary, the available evidence is currently insufficient to determine the role of this variant in disease. Therefore, it has been classified as a Variant of Uncertain Significance.

NM_032634.4(PIGO):c.1831A>G (p.Thr611Ala)

Gene: PIGO (phosphatidylinositol glycan anchor biosynthesis class O; minus strand). Cytogenetic location: 9p13.3.
Variant type: single nucleotide variant.
Coding change: c.1831A>G on transcript NM_032634.4 (MANE Select); coding-DNA position 1831, A replaced by G.
Protein change: p.Thr611Ala; replaces threonine 611 with alanine.
Molecular consequence: missense variant. On other transcripts: intron variant (2).
Genome position (GRCh38, 1-based): chr9:35,092,056, T>C on the plus strand (A>G on the coding strand, the complement: PIGO is on the minus strand). VCF-style: chr9-35092056-T-C. GRCh37 (hg19) VCF-style: chr9-35092053-T-C.
Other names: c.1344+487A>G (NM_152850.4, NM_001201484.2); short protein forms T611A.
Identifiers: ClinVar variation 657622 (VCV000657622.4), dbSNP rs774281466, ClinGen allele CA5040554.